The following is an entry in ClinVar:

ClinVar aggregate classification (germline): Conflicting classifications of pathogenicity. Review status: criteria provided, conflicting classifications (1 of 4 stars). 6 submissions from 6 submitters: Uncertain significance (3); Likely benign (1). 2 of the submissions do not count toward it. Last evaluated 2023-08-07.

Conditions:
PHKA2-related disorder. Also called: PHKA2-related condition.
Glycogen storage disease IXa1. Also called: GLYCOGEN STORAGE DISEASE VIII; GSD VIII; Glycogen storage disease 8; LIVER GLYCOGENOSIS, X-LINKED, TYPE I. Identifiers: Orphanet 264580, MedGen C3694531, MONDO:0010598, OMIM 306000.
Inborn genetic diseases. Identifiers: MedGen C0950123, MeSH D030342.

Allele frequency attached by ClinVar (database versions not stated): ExAC 0.00003; gnomAD 0.00005 and 0.00003; gnomAD exomes 0.00016 and 0.00004; TOPMed 0.00004.
gnomAD v4.1: 178 of 1,208,938 alleles (0.015%); highest among the groups gnomAD compares: Non-Finnish European, 0.02%; no homozygotes.

Submissions (6):

Labcorp Genetics (formerly Invitae), Labcorp
Classification: Uncertain significance for Glycogen storage disease IXa1. Last evaluated: 2023-08-07. Review status: criteria provided, single submitter. Criteria: Invitae Variant Classification Sherloc (09022015). Collection method: clinical testing. Allele origin: germline.
Comment: This sequence change replaces aspartic acid, which is acidic and polar, with asparagine, which is neutral and polar, at codon 526 of the PHKA2 protein (p.Asp526Asn). In summary, the available evidence is currently insufficient to determine the role of this variant in disease. Therefore, it has been classified as a Variant of Uncertain Significance. Advanced modeling of protein sequence and biophysical properties (such as structural, functional, and spatial information, amino acid conservation, physicochemical variation, residue mobility, and thermodynamic stability) has been performed at Invitae for this missense variant, however the output from this modeling did not meet the statistical confidence thresholds required to predict the impact of this variant on PHKA2 protein function. ClinVar contains an entry for this variant (Variation ID: 566810). This missense change has been observed in individual(s) with clinical features of glycogen storage disease type IXa and/or ketotic hypoglycemia symptoms (PMID: 34117828; Invitae). This variant is present in population databases (rs778051353, gnomAD 0.009%).

Ambry Genetics
Classification: Likely benign for Inborn genetic diseases. Last evaluated: 2021-09-01. Review status: criteria provided, single submitter. Criteria: Ambry Variant Classification Scheme 2023. Collection method: clinical testing. Allele origin: germline.

Fulgent Genetics
Classification: Uncertain significance for Glycogen storage disease IXa1. Last evaluated: 2021-08-05. Review status: criteria provided, single submitter. Criteria: ACMG Guidelines, 2015. Collection method: clinical testing. Allele origin: unknown.

Blueprint Genetics
Classification: Uncertain significance. Last evaluated: 2021-04-07. Review status: criteria provided, single submitter. Criteria: ACMG Guidelines, 2015. Collection method: clinical testing. Allele origin: germline.

PreventionGenetics, part of Exact Sciences
Classification: Uncertain significance for PHKA2-related condition. Last evaluated: 2024-06-04. Review status: no assertion criteria provided. Collection method: clinical testing. Allele origin: germline. Not counted in ClinVar's aggregate classification.
Comment: The PHKA2 c.1576G>A variant is predicted to result in the amino acid substitution p.Asp526Asn. This variant has been reported in an individual with ketotic hypoglycemia; however, a similarly affected family member did not carry the variant (Benner et al 2021. PubMed ID: 34117828). This variant is reported in 0.0087% of alleles in individuals of European (Non-Finnish) descent in gnomAD. At this time, the clinical significance of this variant is uncertain due to the absence of conclusive functional and genetic evidence.

Clinical Genetics Laboratory, University Hospital Schleswig-Holstein
Classification: Uncertain significance for Glycogen storage disease IXa1. Last evaluated: 2021-06-18. Review status: no assertion criteria provided. Collection method: clinical testing. Allele origin: germline. Affected: yes. Not counted in ClinVar's aggregate classification.

Literature cited by the submitters: PubMed 34117828 (cited by Labcorp Genetics (formerly Invitae), Labcorp).

NM_000292.3(PHKA2):c.1576G>A (p.Asp526Asn)

Gene: PHKA2 (phosphorylase kinase regulatory subunit alpha 2; minus strand). Cytogenetic location: Xp22.13.
Variant type: single nucleotide variant.
Coding change: c.1576G>A on transcript NM_000292.3 (MANE Select); coding-DNA position 1576, G replaced by A.
Protein change: p.Asp526Asn; replaces aspartic acid 526 with asparagine.
Molecular consequence: missense variant.
Genome position (GRCh38, 1-based): chrX:18,924,519, C>T on the plus strand (G>A on the coding strand, the complement: PHKA2 is on the minus strand). VCF-style: chrX-18924519-C-T. GRCh37 (hg19) VCF-style: chrX-18942637-C-T.
Other names: short protein forms D526N.
Identifiers: ClinVar variation 566810 (VCV000566810.13), dbSNP rs778051353, ClinGen allele CA10361843.